The following is an entry in ClinVar:

NM_030973.4(MED25):c.1795_1803dup (p.Ser599_Ala601dup)

Gene: MED25 (mediator complex subunit 25; plus strand). Cytogenetic location: 19q13.33.
Variant type: Duplication.
Coding change: c.1795_1803dup on transcript NM_030973.4 (MANE Select); coding-DNA positions 1795 to 1803, 9 bases duplicated (TCTGGGGCC; older notation c.1795_1803dupTCTGGGGCC).
Protein change: p.Ser599_Ala601dup.
Molecular consequence: inframe insertion.
Genome position (GRCh38, 1-based): chr19:49,835,775-49,835,783, TCTGGGGCC duplicated; duplicating any 9 consecutive bases within chr19:49,835,769-49,835,783 gives the same sequence; the c. name uses the placement nearest the transcript's 3' end. VCF-style (leftmost placement, unchanged base first): chr19-49835768-A-AGGGGCCTCT. GRCh37 (hg19) VCF-style: chr19-50339025-A-AGGGGCCTCT.
Other names: c.1795_1803dup, p.Ser599_Ala601dup (NM_001378355.1).
Identifiers: ClinVar variation 1371446 (VCV001371446.6), dbSNP rs764613506, ClinGen allele CA633894853.

ClinVar aggregate classification (germline): Uncertain significance (1 of 4 stars; one submission).

Conditions:
Charcot-Marie-Tooth disease type 2. Also called: Charcot-Marie-Tooth type 2. Identifiers: Orphanet 64746, MedGen C0270914, MONDO:0018993.

Submission:

Labcorp Genetics (formerly Invitae), Labcorp
Classification: Uncertain significance for Charcot-Marie-Tooth disease type 2. Last evaluated: 2021-07-31. Review status: criteria provided, single submitter. Criteria: Invitae Variant Classification Sherloc (09022015). Collection method: clinical testing. Allele origin: germline.
Comment: In summary, the available evidence is currently insufficient to determine the role of this variant in disease. Therefore, it has been classified as a Variant of Uncertain Significance. Experimental studies and prediction algorithms are not available or were not evaluated, and the functional significance of this variant is currently unknown. This variant has not been reported in the literature in individuals affected with MED25-related conditions. This variant is not present in population databases (ExAC no frequency). This variant, c.1795_1803dup, results in the insertion of 3 amino acid(s) to the MED25 protein (p.Ser599_Ala601dup), but otherwise preserves the integrity of the reading frame.